The following is an entry in ClinVar:

NM_001044385.3(TMEM237):c.310A>G (p.Ser104Gly)

Gene: TMEM237 (transmembrane protein 237; minus strand). Cytogenetic location: 2q33.1.
Variant type: single nucleotide variant.
Coding change: c.310A>G on transcript NM_001044385.3 (MANE Select); coding-DNA position 310, A replaced by G.
Protein change: p.Ser104Gly; replaces serine 104 with glycine.
Molecular consequence: missense variant.
Genome position (GRCh38, 1-based): chr2:201,633,396, T>C on the plus strand (A>G on the coding strand, the complement: TMEM237 is on the minus strand). VCF-style: chr2-201633396-T-C. GRCh37 (hg19) VCF-style: chr2-202498119-T-C.
Other names: c.286A>G, p.Ser96Gly (NM_152388.4); short protein forms S104G, S96G.
Identifiers: ClinVar variation 2868726 (VCV002868726.3), dbSNP rs1400252092, ClinGen allele CA350314219.

ClinVar aggregate classification (germline): Uncertain significance (1 of 4 stars; one submission).

Conditions:
Joubert syndrome 14 (JBTS14). Identifiers: MedGen C3280766, MONDO:0013745, OMIM 614424.

Allele frequency attached by ClinVar (database versions not stated): TOPMed below 0.00001; gnomAD 0.00001.
gnomAD v4.1: 2 of 1,576,466 alleles (0.00013%); highest among the groups gnomAD compares: East Asian, 0.0023%; no homozygotes.

Submission:

Labcorp Genetics (formerly Invitae), Labcorp
Classification: Uncertain significance for Joubert syndrome 14. Last evaluated: 2023-10-04. Review status: criteria provided, single submitter. Criteria: Invitae Variant Classification Sherloc (09022015). Collection method: clinical testing. Allele origin: germline.
Comment: This sequence change replaces serine, which is neutral and polar, with glycine, which is neutral and non-polar, at codon 104 of the TMEM237 protein (p.Ser104Gly). This variant is not present in population databases (gnomAD no frequency). This variant has not been reported in the literature in individuals affected with TMEM237-related conditions. Advanced modeling of protein sequence and biophysical properties (such as structural, functional, and spatial information, amino acid conservation, physicochemical variation, residue mobility, and thermodynamic stability) performed at Invitae indicates that this missense variant is not expected to disrupt TMEM237 protein function. In summary, the available evidence is currently insufficient to determine the role of this variant in disease. Therefore, it has been classified as a Variant of Uncertain Significance.